The following is an entry in ClinVar:

ClinVar aggregate classification (germline): Likely benign (1 of 4 stars; one submission).

Allele frequency attached by ClinVar (database versions not stated): 1000 Genomes Project 0.00060; 1000 Genomes Project 30x 0.00062; ExAC 0.00228; ESP Exome Variant Server 0.00238; TOPMed 0.00257; gnomAD 0.00259.
gnomAD v4.1: 5,076 of 1,613,808 alleles (0.31%); highest among the groups gnomAD compares: Non-Finnish European, 0.32%; 14 homozygotes.

Submission:

CeGaT Center for Human Genetics Tuebingen
Classification: Likely benign. Last evaluated: 2023-03-01. Review status: criteria provided, single submitter. Criteria: CeGaT Center For Human Genetics Tuebingen Variant Classification Criteria Version 2. Collection method: clinical testing. Allele origin: germline. Affected: yes. Observed: 1 variant allele.
Comment: SPATA31E1: BP4, BP7

NM_178828.5(SPATA31E1):c.1167G>A (p.Pro389=)

Genes: SPATA31E1 (SPATA31 subfamily E member 1; plus strand), LOC497256 (uncharacterized LOC497256; minus strand). Cytogenetic location: 9q22.1.
Variant type: single nucleotide variant.
Coding change: c.1167G>A on transcript NM_178828.5 (MANE Select); coding-DNA position 1167, G replaced by A.
Protein change: p.Pro389=; no amino-acid change (proline 389 retained).
Molecular consequence: synonymous variant.
Genome position (GRCh38, 1-based): chr9:87,885,654, G>A. VCF-style: chr9-87885654-G-A. GRCh37 (hg19) VCF-style: chr9-90500569-G-A.
Identifiers: ClinVar variation 2659293 (VCV002659293.24), dbSNP rs118103831, ClinGen allele CA5112068.
Genomic context (GRCh38, chr9:87,885,654, plus strand): 5'-CGCCAAGAGAGCACTGATGAAGATGTGGCAGGAGAAAGAAAGAAAACGGGCCGACCACCC[G>A]CACATGACATCACTGGGGAAGGAGTGGGACATCACGACCCTAAATCCCTTCTGGAACGTG-3'
Protein context (NP_849150.3, residues 379-399): QEKERKRADH[Pro389=]HMTSLGKEWD